The following is an entry in ClinVar:

NM_015213.4(DENND5A):c.3453C>G (p.Phe1151Leu)

Gene: DENND5A (DENN domain containing 5A; minus strand). Cytogenetic location: 11p15.4.
Variant type: single nucleotide variant.
Coding change: c.3453C>G on transcript NM_015213.4 (MANE Select); coding-DNA position 3453, C replaced by G.
Protein change: p.Phe1151Leu; replaces phenylalanine 1151 with leucine.
Molecular consequence: missense variant. On other transcripts: non-coding transcript variant (1).
Genome position (GRCh38, 1-based): chr11:9,142,780, G>C on the plus strand (C>G on the coding strand, the complement: DENND5A is on the minus strand). VCF-style: chr11-9142780-G-C. GRCh37 (hg19) VCF-style: chr11-9164327-G-C.
Other names: c.3453C>G, p.Phe1151Leu (NM_001243254.2); c.3381C>G, p.Phe1127Leu (NM_001348749.2); c.3165C>G, p.Phe1055Leu (NM_001348750.2); short protein forms F1055L, F1127L, F1151L.
Identifiers: ClinVar variation 4812083 (VCV004812083.1).

ClinVar aggregate classification (germline): Uncertain significance (1 of 4 stars; one submission).

gnomAD v4.1: 2 of 1,614,164 alleles (0.00012%); highest among the groups gnomAD compares: Non-Finnish European, 0.00017%; no homozygotes.

Submission:

Labcorp Genetics (formerly Invitae), Labcorp
Classification: Uncertain significance. Last evaluated: 2025-10-08. Review status: criteria provided, single submitter. Criteria: Invitae Variant Classification Sherloc (09022015). Collection method: clinical testing. Allele origin: germline.
Comment: This sequence change replaces phenylalanine, which is neutral and non-polar, with leucine, which is neutral and non-polar, at codon 1151 of the DENND5A protein (p.Phe1151Leu). This variant is not present in population databases (gnomAD no frequency). This variant has not been reported in the literature in individuals affected with DENND5A-related conditions. Invitae Evidence Modeling of protein sequence and biophysical properties (such as structural, functional, and spatial information, amino acid conservation, physicochemical variation, residue mobility, and thermodynamic stability) indicates that this missense variant is not expected to disrupt DENND5A protein function with a negative predictive value of 80%. In summary, the available evidence is currently insufficient to determine the role of this variant in disease. Therefore, it has been classified as a Variant of Uncertain Significance.